The following is an entry in ClinVar:

NM_001983.4(ERCC1):c.523G>T (p.Val175Leu)

Gene: ERCC1 (ERCC excision repair 1, endonuclease non-catalytic subunit; minus strand). Cytogenetic location: 19q13.32.
Variant type: single nucleotide variant.
Coding change: c.523G>T on transcript NM_001983.4 (MANE Select); coding-DNA position 523, G replaced by T.
Protein change: p.Val175Leu; replaces valine 175 with leucine.
Molecular consequence: missense variant.
Genome position (GRCh38, 1-based): chr19:45,419,100, C>A on the plus strand (G>T on the coding strand, the complement: ERCC1 is on the minus strand). VCF-style: chr19-45419100-C-A. GRCh37 (hg19) VCF-style: chr19-45922358-C-A.
Other names: c.523G>T, p.Val175Leu (NM_001166049.2, NM_001369408.1, NM_001369409.1 and 11 more transcripts); short protein forms V175L.
Identifiers: ClinVar variation 1916818 (VCV001916818.5), dbSNP rs1305244369, ClinGen allele CA406357636.

ClinVar aggregate classification (germline): Uncertain significance (1 of 4 stars; one submission).

Allele frequency attached by ClinVar (database versions not stated): gnomAD exomes 0.00001; TOPMed 0.00001.
gnomAD v4.1: 7 of 1,570,470 alleles (0.00045%); highest among the groups gnomAD compares: Non-Finnish European, 0.00061%; no homozygotes.

Submission:

Labcorp Genetics (formerly Invitae), Labcorp
Classification: Uncertain significance. Last evaluated: 2022-07-02. Review status: criteria provided, single submitter. Criteria: Invitae Variant Classification Sherloc (09022015). Collection method: clinical testing. Allele origin: germline.
Comment: This variant is not present in population databases (gnomAD no frequency). This sequence change replaces valine, which is neutral and non-polar, with leucine, which is neutral and non-polar, at codon 175 of the ERCC1 protein (p.Val175Leu). In summary, the available evidence is currently insufficient to determine the role of this variant in disease. Therefore, it has been classified as a Variant of Uncertain Significance. Algorithms developed to predict the effect of missense changes on protein structure and function (SIFT, PolyPhen-2, Align-GVGD) all suggest that this variant is likely to be tolerated. This variant has not been reported in the literature in individuals affected with ERCC1-related conditions.